The following is an entry in ClinVar:

NM_006506.5(RASA2):c.1064G>A (p.Arg355Gln)

Gene: RASA2 (RAS p21 protein activator 2; plus strand). Cytogenetic location: 3q23.
Variant type: single nucleotide variant.
Coding change: c.1064G>A on transcript NM_006506.5 (MANE Select); coding-DNA position 1064, G replaced by A.
Protein change: p.Arg355Gln; replaces arginine 355 with glutamine.
Molecular consequence: missense variant.
Genome position (GRCh38, 1-based): chr3:141,571,449, G>A. VCF-style: chr3-141571449-G-A. GRCh37 (hg19) VCF-style: chr3-141290291-G-A.
Other names: c.1064G>A, p.Arg355Gln (NM_001303245.3, NM_001303246.3); short protein forms R355Q.
Identifiers: ClinVar variation 1408543 (VCV001408543.6), dbSNP rs376949728, ClinGen allele CA2645415.

ClinVar aggregate classification (germline): Uncertain significance (1 of 4 stars; one submission).

Allele frequency attached by ClinVar (database versions not stated): gnomAD 0.00004; gnomAD exomes 0.00004 and 0.00010; ExAC 0.00007; ESP Exome Variant Server 0.00008.
gnomAD v4.1: 69 of 1,613,482 alleles (0.0043%); highest among the groups gnomAD compares: Admixed American, 0.042%; no homozygotes.

Submission:

Labcorp Genetics (formerly Invitae), Labcorp
Classification: Uncertain significance. Last evaluated: 2025-12-24. Review status: criteria provided, single submitter. Criteria: Invitae Variant Classification Sherloc (09022015). Collection method: clinical testing. Allele origin: germline.
Comment: This sequence change replaces arginine, which is basic and polar, with glutamine, which is neutral and polar, at codon 355 of the RASA2 protein (p.Arg355Gln). This variant is present in population databases (rs376949728, gnomAD 0.06%), and has an allele count higher than expected for a pathogenic variant. This variant has not been reported in the literature in individuals affected with RASA2-related conditions. ClinVar contains an entry for this variant (Variation ID: 1408543). Invitae Evidence Modeling of protein sequence and biophysical properties (such as structural, functional, and spatial information, amino acid conservation, physicochemical variation, residue mobility, and thermodynamic stability) indicates that this missense variant is not expected to disrupt RASA2 protein function with a negative predictive value of 80%. In summary, the available evidence is currently insufficient to determine the role of this variant in disease. Therefore, it has been classified as a Variant of Uncertain Significance.